The following is an entry in ClinVar:

NM_024570.4(RNASEH2B):c.72A>T (p.Leu24Phe)

Gene: RNASEH2B (ribonuclease H2 subunit B; plus strand). Cytogenetic location: 13q14.3.
Variant type: single nucleotide variant.
Coding change: c.72A>T on transcript NM_024570.4 (MANE Select); coding-DNA position 72, A replaced by T.
Protein change: p.Leu24Phe; replaces leucine 24 with phenylalanine.
Molecular consequence: missense variant.
Genome position (GRCh38, 1-based): chr13:50,927,414, A>T. VCF-style: chr13-50927414-A-T. GRCh37 (hg19) VCF-style: chr13-51501550-A-T.
Other names: c.72A>T, p.Leu24Phe (NM_001142279.2); short protein forms L24F.
Identifiers: ClinVar variation 959880 (VCV000959880.7), dbSNP rs748052389, ClinGen allele CA388258505.

ClinVar aggregate classification (germline): Uncertain significance (1 of 4 stars; one submission).

Conditions:
Aicardi-Goutieres syndrome 2. Identifiers: Orphanet 51, MedGen C3489724, MONDO:0012429, OMIM 610181.

Allele frequency attached by ClinVar (database versions not stated): TOPMed 0.00002.
gnomAD v4.1: 7 of 1,579,894 alleles (0.00044%); highest among the groups gnomAD compares: Non-Finnish European, 0.00061%; no homozygotes.

Submission:

Labcorp Genetics (formerly Invitae), Labcorp
Classification: Uncertain significance for Aicardi-Goutieres syndrome 2. Last evaluated: 2022-03-06. Review status: criteria provided, single submitter. Criteria: Invitae Variant Classification Sherloc (09022015). Collection method: clinical testing. Allele origin: germline.
Comment: This sequence change replaces leucine, which is neutral and non-polar, with phenylalanine, which is neutral and non-polar, at codon 24 of the RNASEH2B protein (p.Leu24Phe). This variant is present in population databases (no rsID available, gnomAD 0.0009%). This variant has not been reported in the literature in individuals affected with RNASEH2B-related conditions. ClinVar contains an entry for this variant (Variation ID: 959880). Algorithms developed to predict the effect of missense changes on protein structure and function output the following: SIFT: "Tolerated"; PolyPhen-2: "Benign"; Align-GVGD: "Class C0". The phenylalanine amino acid residue is found in multiple mammalian species, which suggests that this missense change does not adversely affect protein function. In summary, the available evidence is currently insufficient to determine the role of this variant in disease. Therefore, it has been classified as a Variant of Uncertain Significance.